The following is an entry in ClinVar:

ClinVar aggregate classification (germline): Pathogenic. Review status: criteria provided, multiple submitters, no conflicts (2 of 4 stars). 2 submissions from 2 submitters: Pathogenic (2). Last evaluated 2024-10-25.

Conditions:
Retinoblastoma (RB1). Also called: RETINOBLASTOMA, SOMATIC. Identifiers: Orphanet 790, MedGen C0035335, MeSH D012175, MONDO:0008380, OMIM 180200, HP:0009919. Disease mechanism: loss of function. Inheritance: Both sporadic and heritable forms are tested..

Submissions (2):

GeneDx
Classification: Pathogenic. Last evaluated: 2024-10-25. Review status: criteria provided, single submitter. Criteria: GeneDx Variant Classification Process June 2021. Collection method: clinical testing. Allele origin: germline. Affected: yes.
Comment: Observed in individuals with bilateral retinoblastoma, including an apparently de novo observation, referred for genetic testing at GeneDx and in published literature (PMID: 11317357, 18000883, 15884040); Published functional studies demonstrate a damaging effect: variant results in multiple aberrant transcripts (PMID: 18000883); Not observed at significant frequency in large population cohorts (gnomAD); Also known as c.857-9C>G; This variant is associated with the following publications: (PMID: 18000883, 11317357, 15884040, 31772335)

Genetic Diagnostic Laboratory, University of Pennsylvania School of Medicine
Classification: Pathogenic for Retinoblastoma. Last evaluated: 2024-05-20. Review status: criteria provided, single submitter. Criteria: ACMG Guidelines, 2015. Collection method: clinical testing. Allele origin: germline. Affected: yes. Observed: 2 variant alleles.
Comment: Case and Pedigree Information: BILATERAL CASES:1, UNILATERAL CASES:1, TOTAL CASES:2, PEDIGREES:2. ACMG Codes Applied:PVS1, PS3, PM2

NM_000321.3(RB1):c.719-9C>G

Gene: RB1 (RB transcriptional corepressor 1; plus strand). Cytogenetic location: 13q14.2.
Variant type: single nucleotide variant.
Coding change: c.719-9C>G on transcript NM_000321.3 (MANE Select); 9 bases into the intron before coding-DNA position 719, C replaced by G.
Molecular consequence: intron variant.
Genome position (GRCh38, 1-based): chr13:48,362,806, C>G. VCF-style: chr13-48362806-C-G. GRCh37 (hg19) VCF-style: chr13-48936942-C-G.
Other names: c.719-9C>G (NM_001407165.1, NM_001407166.1).
Identifiers: ClinVar variation 3237146 (VCV003237146.2), dbSNP rs2138112027.